The following is an entry in ClinVar:

ClinVar aggregate classification (germline): Uncertain significance. Review status: criteria provided, multiple submitters, no conflicts (2 of 4 stars). 2 submissions from 2 submitters: Uncertain significance (2). Last evaluated 2025-11-01.

Allele frequency attached by ClinVar (database versions not stated): gnomAD 0.00004; ExAC 0.00002; gnomAD exomes 0.00004; TOPMed 0.00006.

Submissions (2):

Labcorp Genetics (formerly Invitae), Labcorp
Classification: Uncertain significance. Last evaluated: 2025-11-01. Review status: criteria provided, single submitter. Criteria: Invitae Variant Classification Sherloc (09022015). Collection method: clinical testing. Allele origin: germline.
Comment: This sequence change replaces arginine, which is basic and polar, with histidine, which is basic and polar, at codon 450 of the MYH7B protein (p.Arg450His). This variant is present in population databases (rs570186702, gnomAD 0.006%). This variant has not been reported in the literature in individuals affected with MYH7B-related conditions. ClinVar contains an entry for this variant (Variation ID: 2520867). Invitae Evidence Modeling of protein sequence and biophysical properties (such as structural, functional, and spatial information, amino acid conservation, physicochemical variation, residue mobility, and thermodynamic stability) indicates that this missense variant is expected to disrupt MYH7B protein function with a positive predictive value of 80%. In summary, the available evidence is currently insufficient to determine the role of this variant in disease. Therefore, it has been classified as a Variant of Uncertain Significance.

Ambry Genetics
Classification: Uncertain significance. Last evaluated: 2023-03-21. Review status: criteria provided, single submitter. Criteria: Ambry Variant Classification Scheme 2023. Collection method: clinical testing. Allele origin: germline.

NM_020884.7(MYH7B):c.1223G>A (p.Arg408His)

Gene: MYH7B (myosin heavy chain 7B; plus strand). Cytogenetic location: 20q11.22.
Variant type: single nucleotide variant.
Coding change: c.1223G>A on transcript NM_020884.7 (MANE Select); coding-DNA position 1223, G replaced by A.
Protein change: p.Arg408His; replaces arginine 408 with histidine.
Molecular consequence: missense variant.
Genome position (GRCh38, 1-based): chr20:34,987,632, G>A. VCF-style: chr20-34987632-G-A. GRCh37 (hg19) VCF-style: chr20-33575435-G-A.
Other names: short protein forms R408H.
Identifiers: ClinVar variation 2520867 (VCV002520867.5), dbSNP rs570186702, ClinGen allele CA9826860.